The following is an entry in ClinVar:

NM_000292.3(PHKA2):c.884G>A (p.Arg295His)

Gene: PHKA2 (phosphorylase kinase regulatory subunit alpha 2; minus strand). Cytogenetic location: Xp22.13.
Variant type: single nucleotide variant.
Coding change: c.884G>A on transcript NM_000292.3 (MANE Select); coding-DNA position 884, G replaced by A.
Protein change: p.Arg295His; replaces arginine 295 with histidine.
Molecular consequence: missense variant.
Genome position (GRCh38, 1-based): chrX:18,940,029, C>T on the plus strand (G>A on the coding strand, the complement: PHKA2 is on the minus strand). VCF-style: chrX-18940029-C-T. GRCh37 (hg19) VCF-style: chrX-18958147-C-T.
Other names: short protein forms R295H.
Identifiers: ClinVar variation 208676 (VCV000208676.14), dbSNP rs797044877, ClinGen allele CA204657.

ClinVar aggregate classification (germline): Conflicting classifications of pathogenicity. Review status: criteria provided, conflicting classifications (1 of 4 stars). 5 submissions from 5 submitters: Pathogenic (2); Likely pathogenic (1); Uncertain significance (1). 1 of the submissions does not count toward it. Last evaluated 2026-01-23.

Conditions:
Glycogen storage disease IXa1. Also called: LIVER GLYCOGENOSIS, X-LINKED, TYPE I; GLYCOGEN STORAGE DISEASE VIII; GSD VIII; Glycogen storage disease 8. Identifiers: Orphanet 264580, MedGen C3694531, MONDO:0010598, OMIM 306000.
Inborn genetic diseases. Identifiers: MedGen C0950123, MeSH D030342.
Glycogen storage disease IXd (GSD9D). Also called: GSD IXd; Muscle Phosphorylase Kinase Deficiency. Identifiers: Orphanet 715, MedGen C1845151, MONDO:0010362, OMIM 300559.

Allele frequency attached by ClinVar (database versions not stated): gnomAD exomes below 0.00001.
gnomAD v4.1: 1 of 1,194,700 alleles (0.000084%); highest among the groups gnomAD compares: Non-Finnish European, 0.00011%; no homozygotes.

Submissions (5):

Labcorp Genetics (formerly Invitae), Labcorp
Classification: Pathogenic for Glycogen storage disease IXa1. Last evaluated: 2026-01-23. Review status: criteria provided, single submitter. Criteria: Invitae Variant Classification Sherloc (09022015). Collection method: clinical testing. Allele origin: germline.
Comment: This sequence change replaces arginine, which is basic and polar, with histidine, which is basic and polar, at codon 295 of the PHKA2 protein (p.Arg295His). This variant is not present in population databases (gnomAD no frequency). This missense change has been observed in individuals with glycogen storage disease type IX (PMID: 10330341, 27103379, 28627441). ClinVar contains an entry for this variant (Variation ID: 208676). Invitae Evidence Modeling of protein sequence and biophysical properties (such as structural, functional, and spatial information, amino acid conservation, physicochemical variation, residue mobility, and thermodynamic stability) indicates that this missense variant is expected to disrupt PHKA2 protein function with a positive predictive value of 80%. This variant disrupts the p.Arg295 amino acid residue in PHKA2. Other variant(s) that disrupt this residue have been determined to be pathogenic (PMID: 12862311, 23578772, 31508908; internal data). This suggests that this residue is clinically significant, and that variants that disrupt this residue are likely to be disease-causing. For these reasons, this variant has been classified as Pathogenic.

Genesolutions, Medical Genetics Institutes, Ho Chi Minh City, Vietnam
Classification: Uncertain significance for Glycogen storage disease IXa1. Last evaluated: 2025-09-24. Review status: criteria provided, single submitter. Criteria: ACMG Guidelines, 2015. Collection method: clinical testing. Allele origin: germline. Affected: yes.

Foundation for Research in Genetics and Endocrinology, FRIGE's Institute of Human Genetics
Classification: Likely pathogenic for Glycogen storage disease IXa1. Last evaluated: 2023-01-31. Review status: criteria provided, single submitter. Criteria: ACMG Guidelines, 2015. Collection method: clinical testing. Allele origin: germline. Inheritance: X-linked recessive inheritance. Affected: yes. Observed: 1 hemizygote.
Comment: A hemizygous missense variation in exon 9 of the PHKA2 gene that results in the amino acid substitution of Histidine for Arginine at codon 295 (p.Arg295His) was detected. The p.Arg295His variant has not been reported in the 1000 genomes and gnomAD databases. The in silico predictions of the variant are probably damaging by PolyPhen-2 (HumDiv) and damaging by SIFT, LRT and MutationTaster2. The reference codon is conserved across species. In summary, the variant meets our criteria to be classified as likely pathogenic.

Ambry Genetics
Classification: Pathogenic for Inborn genetic diseases. Last evaluated: 2014-10-29. Review status: criteria provided, single submitter. Criteria: Ambry exome assertion method (8-5-2015). Collection method: clinical testing. Allele origin: germline. Affected: yes. Observed: 1 variant allele.

GeneReviews
No classification provided. Condition: Glycogen storage disease IXd. Review status: no classification provided. Collection method: literature only. Allele origin: germline. Not counted in ClinVar's aggregate classification.

Literature cited by the submitters: PubMed 10330341 (cited by Labcorp Genetics (formerly Invitae), Labcorp); PubMed 27103379 (cited by Labcorp Genetics (formerly Invitae), Labcorp); PubMed 28627441 (cited by Labcorp Genetics (formerly Invitae), Labcorp); PubMed 12862311 (cited by Labcorp Genetics (formerly Invitae), Labcorp); PubMed 23578772 (cited by Labcorp Genetics (formerly Invitae), Labcorp); PubMed 31508908 (cited by Labcorp Genetics (formerly Invitae), Labcorp).